The following is an entry in ClinVar:

ClinVar aggregate classification (germline): Uncertain significance. Review status: criteria provided, multiple submitters, no conflicts (2 of 4 stars). 2 submissions from 2 submitters: Uncertain significance (2). Last evaluated 2025-06-03.

Conditions:
Spermatogenic failure 18. Identifiers: MedGen C4539783, MONDO:0054615, OMIM 617576.
Ciliary dyskinesia, primary, 37 (CILD37). Also called: CILIARY DYSKINESIA, PRIMARY, 37, WITH OR WITHOUT SITUS INVERSUS. Identifiers: MedGen C4539798, MONDO:0033204, OMIM 617577.

Allele frequency attached by ClinVar (database versions not stated): gnomAD exomes 0.00001; gnomAD 0.00003; TOPMed 0.00003; ESP Exome Variant Server 0.00008.
gnomAD v4.1: 13 of 1,589,562 alleles (0.00082%); highest among the groups gnomAD compares: Admixed American, 0.0053%; no homozygotes.

Submissions (2):

Labcorp Genetics (formerly Invitae), Labcorp
Classification: Uncertain significance for Ciliary dyskinesia, primary, 37; Spermatogenic failure 18. Last evaluated: 2025-06-03. Review status: criteria provided, single submitter. Criteria: Invitae Variant Classification Sherloc (09022015). Collection method: clinical testing. Allele origin: germline.
Comment: This sequence change replaces arginine, which is basic and polar, with glutamine, which is neutral and polar, at codon 118 of the DNAH1 protein (p.Arg118Gln). The frequency data for this variant in the population databases is considered unreliable, as metrics indicate poor data quality at this position in the gnomAD database. This variant has not been reported in the literature in individuals affected with DNAH1-related conditions. ClinVar contains an entry for this variant (Variation ID: 544609). An algorithm developed to predict the effect of missense changes on protein structure and function (PolyPhen-2) suggests that this variant is likely to be tolerated. In summary, the available evidence is currently insufficient to determine the role of this variant in disease. Therefore, it has been classified as a Variant of Uncertain Significance.

Blueprint Genetics
Classification: Uncertain significance. Last evaluated: 2023-08-16. Review status: criteria provided, single submitter. Criteria: ACMG Guidelines, 2015. Collection method: clinical testing. Allele origin: germline.

NM_015512.5(DNAH1):c.353G>A (p.Arg118Gln)

Gene: DNAH1 (dynein axonemal heavy chain 1; plus strand). Cytogenetic location: 3p21.1.
Variant type: single nucleotide variant.
Coding change: c.353G>A on transcript NM_015512.5 (MANE Select); coding-DNA position 353, G replaced by A.
Protein change: p.Arg118Gln; replaces arginine 118 with glutamine.
Molecular consequence: missense variant.
Genome position (GRCh38, 1-based): chr3:52,323,827, G>A. VCF-style: chr3-52323827-G-A. GRCh37 (hg19) VCF-style: chr3-52357843-G-A.
Other names: short protein forms R118Q.
Identifiers: ClinVar variation 544609 (VCV000544609.9), dbSNP rs370930322, ClinGen allele CA74751835.
Genomic context (GRCh38, chr3:52,323,827, plus strand): 5'-GGAGGTTGACACATACTCAGGGCTCCATGGTTTGGTTTCAGGAGGTATGTCGTGGCCCCC[G>A]AATGAGCCAGAACCTCCTGCGGCAGGCTGACCTTGACAAGTTCACCCCAAGAGGTCAGTG-3'
Protein context (NP_056327.4, residues 108-128): DQLGEVCRGP[Arg118Gln]MSQNLLRQAD